The following is an entry in ClinVar:

ClinVar aggregate classification (germline): Likely pathogenic (1 of 4 stars; one submission).

Conditions:
Dilated cardiomyopathy 1G (CMD1G). Identifiers: Orphanet 154, MedGen C1858763, MONDO:0011400, OMIM 604145.
Autosomal recessive limb-girdle muscular dystrophy type 2J (LGMDR10). Also called: Limb-girdle muscular dystrophy, type 2J; MUSCULAR DYSTROPHY, LIMB-GIRDLE, AUTOSOMAL RECESSIVE 10. Identifiers: Orphanet 140922, MedGen C1837342, MONDO:0012127, OMIM 608807.

Submission:

Labcorp Genetics (formerly Invitae), Labcorp
Classification: Likely pathogenic for Dilated cardiomyopathy 1G; Autosomal recessive limb-girdle muscular dystrophy type 2J. Last evaluated: 2024-10-18. Review status: criteria provided, single submitter. Criteria: Invitae Variant Classification Sherloc (09022015). Collection method: clinical testing. Allele origin: germline.
Comment: This sequence change creates a premature translational stop signal (p.Val15579Alafs*4) in the TTN gene. While this is not anticipated to result in nonsense mediated decay, it is expected to create a truncated TTN protein. This variant is not present in population databases (gnomAD no frequency). This variant has not been reported in the literature in individuals affected with TTN-related conditions. This variant is located in the I band of TTN (PMID: 25589632). Truncating variants in this region have been reported in individuals affected with autosomal recessive centronuclear myopathy (PMID: 23975875, internal data). Truncating variants in this region have also been identified in individuals affected with autosomal dominant dilated cardiomyopathy and/or cardio-related conditions (PMID: 27869827, 32964742, internal data). In summary, the currently available evidence indicates that the variant is pathogenic, but additional data are needed to prove that conclusively. Therefore, this variant has been classified as Likely Pathogenic.

Literature cited by the submitters: PubMed 25589632; PubMed 23975875; PubMed 27869827; PubMed 32964742.

NM_001267550.2(TTN):c.46736_46745del (p.Val15579fs)

Genes: TTN (titin; minus strand), TTN-AS1 (TTN antisense RNA 1; plus strand). Cytogenetic location: 2q31.2.
Variant type: Deletion.
Coding change: c.46736_46745del on transcript NM_001267550.2 (MANE Select); coding-DNA positions 46736 to 46745, 10 bases deleted (TTGATGTTGG; older notation c.46736_46745delTTGATGTTGG).
Protein change: p.Val15579fs; shifts the reading frame from valine 15579.
Molecular consequence: frameshift variant.
Genome position (GRCh38, 1-based): chr2:178,618,805-178,618,814, CCAACATCAA deleted on the plus strand (TTGATGTTGG on the coding strand, the reverse complement: TTN is on the minus strand); deleting any 10 consecutive bases within chr2:178,618,805-178,618,817 gives the same sequence; the c. name uses the placement nearest the transcript's 3' end. VCF-style (leftmost placement, unchanged base first): chr2-178618804-GCCAACATCAA-G. GRCh37 (hg19) VCF-style: chr2-179483531-GCCAACATCAA-G.
Other names: c.41813_41822del, p.Val13938fs (NM_001256850.1); c.19541_19550del, p.Val6514fs (NM_003319.4); c.39032_39041del, p.Val13011fs (NM_133378.4); c.19916_19925del, p.Val6639fs (NM_133432.3); c.20117_20126del, p.Val6706fs (NM_133437.4); short protein forms V15579fs, V6514fs, V13938fs, V6706fs, V13011fs, V6639fs.
Identifiers: ClinVar variation 2945281 (VCV002945281.3), dbSNP rs2470917704, ClinGen allele CA2740096133.